The following is an entry in ClinVar:

NM_005336.6(HDLBP):c.841G>A (p.Val281Met)

Gene: HDLBP (high density lipoprotein binding protein; minus strand). Cytogenetic location: 2q37.3.
Variant type: single nucleotide variant.
Coding change: c.841G>A on transcript NM_005336.6 (MANE Select); coding-DNA position 841, G replaced by A.
Protein change: p.Val281Met; replaces valine 281 with methionine.
Molecular consequence: missense variant.
Genome position (GRCh38, 1-based): chr2:241,256,216, C>T on the plus strand (G>A on the coding strand, the complement: HDLBP is on the minus strand). VCF-style: chr2-241256216-C-T. GRCh37 (hg19) VCF-style: chr2-242195631-C-T.
Other names: c.949G>A, p.Val317Met (NM_001243900.3); c.841G>A, p.Val281Met (NM_001320965.3, NM_001320966.3, NM_001320967.3 and 1 more transcripts); short protein forms V281M, V317M.
Identifiers: ClinVar variation 4996085 (VCV004996085.1).

ClinVar aggregate classification (germline): Uncertain significance (1 of 4 stars; one submission).

Conditions:
HDLBP-related disorder. Also called: HDLBP-related condition.

Submission:

PreventionGenetics, part of Exact Sciences
Classification: Uncertain significance for HDLBP-related condition. Last evaluated: 2026-04-02. Review status: criteria provided, single submitter. Criteria: ACMG Guidelines, 2015. Collection method: clinical testing. Allele origin: germline.
Comment: The HDLBP c.841G>A variant is predicted to result in the amino acid substitution p.Val281Met. To our knowledge, this variant has not been reported in the literature or in a large population database (gnomAD), indicating this variant is rare. At this time, the clinical significance of this variant is uncertain due to the absence of conclusive functional and genetic evidence.